The following is an entry in ClinVar:

NM_001378457.1(DMXL2):c.7555G>A (p.Ala2519Thr)

Gene: DMXL2 (Dmx like 2; minus strand). Cytogenetic location: 15q21.2.
Variant type: single nucleotide variant.
Coding change: c.7555G>A on transcript NM_001378457.1 (MANE Select); coding-DNA position 7555, G replaced by A.
Protein change: p.Ala2519Thr; replaces alanine 2519 with threonine.
Molecular consequence: missense variant. On other transcripts: non-coding transcript variant (2), intron variant (1).
Genome position (GRCh38, 1-based): chr15:51,465,617, C>T on the plus strand (G>A on the coding strand, the complement: DMXL2 is on the minus strand). VCF-style: chr15-51465617-C-T. GRCh37 (hg19) VCF-style: chr15-51757814-C-T.
Other names: c.7555G>A, p.Ala2519Thr (NM_001174116.3, NM_001378461.1, NM_001378463.1); c.5644G>A, p.Ala1882Thr (NM_001174117.3); c.7552G>A, p.Ala2518Thr (NM_001378458.1, NM_001378462.1, NM_015263.5); c.5533G>A, p.Ala1845Thr (NM_001378460.1); c.7312G>A, p.Ala2438Thr (NM_001378464.1); c.7520+567G>A (NM_001378459.1); c.7555G>A (NM_001174116.1); short protein forms A1882T, A2518T, A1845T, A2519T, A2438T.
Identifiers: ClinVar variation 2141397 (VCV002141397.4), dbSNP rs1240195247, ClinGen allele CA392439568.

ClinVar aggregate classification (germline): Uncertain significance. Review status: criteria provided, multiple submitters, no conflicts (2 of 4 stars). 3 submissions from 3 submitters: Uncertain significance (2). 1 of the submissions does not count toward it. Last evaluated 2024-10-30.

Conditions:
DMXL2-related disorder. Also called: DMXL2-related condition.

Allele frequency attached by ClinVar (database versions not stated): gnomAD 0.00001; gnomAD exomes 0.00002; TOPMed 0.00002.
gnomAD v4.1: 40 of 1,606,770 alleles (0.0025%); highest among the groups gnomAD compares: Middle Eastern, 0.016%; no homozygotes.

Submissions (3):

Blueprint Genetics
Classification: Uncertain significance. Last evaluated: 2024-10-30. Review status: criteria provided, single submitter. Criteria: ACMG Guidelines, 2015. Collection method: clinical testing. Allele origin: germline.

Labcorp Genetics (formerly Invitae), Labcorp
Classification: Uncertain significance. Last evaluated: 2022-10-05. Review status: criteria provided, single submitter. Criteria: Invitae Variant Classification Sherloc (09022015). Collection method: clinical testing. Allele origin: germline.
Comment: In summary, the available evidence is currently insufficient to determine the role of this variant in disease. Therefore, it has been classified as a Variant of Uncertain Significance. Algorithms developed to predict the effect of missense changes on protein structure and function (SIFT, PolyPhen-2, Align-GVGD) all suggest that this variant is likely to be tolerated. This variant has not been reported in the literature in individuals affected with DMXL2-related conditions. This variant is present in population databases (no rsID available, gnomAD 0.002%). This sequence change replaces alanine, which is neutral and non-polar, with threonine, which is neutral and polar, at codon 2519 of the DMXL2 protein (p.Ala2519Thr).

PreventionGenetics, part of Exact Sciences
Classification: Uncertain significance for DMXL2-related condition. Last evaluated: 2024-06-28. Review status: no assertion criteria provided. Collection method: clinical testing. Allele origin: germline. Not counted in ClinVar's aggregate classification.
Comment: The DMXL2 c.7555G>A variant is predicted to result in the amino acid substitution p.Ala2519Thr. To our knowledge, this variant has not been reported in the literature. This variant is reported in 0.0018% of alleles in individuals of European (Non-Finnish) descent in gnomAD. At this time, the clinical significance of this variant is uncertain due to the absence of conclusive functional and genetic evidence.